The following is an entry in ClinVar:

ClinVar aggregate classification (germline): Benign (0 of 4 stars; one submission).

Conditions:
ZP2-related disorder. Also called: ZP2-related condition.

Allele frequency attached by ClinVar (database versions not stated): gnomAD exomes 0.14327; ESP Exome Variant Server 0.18988; TOPMed 0.21843; 1000 Genomes Project 30x 0.28014; 1000 Genomes Project 0.28315.
gnomAD v4.1: 241,009 of 1,613,354 alleles (15%); highest among the groups gnomAD compares: East Asian, 41%; 23,145 homozygotes.

Submission:

PreventionGenetics, part of Exact Sciences
Classification: Benign for ZP2-related condition. Last evaluated: 2024-01-05. Review status: no assertion criteria provided. Collection method: clinical testing. Allele origin: germline.
Comment: This variant is classified as benign based on ACMG/AMP sequence variant interpretation guidelines (Richards et al. 2015 PMID: 25741868, with internal and published modifications).

NM_001376232.1(ZP2):c.519C>T (p.Asp173=)

Gene: ZP2 (zona pellucida glycoprotein 2; minus strand). Cytogenetic location: 16p12.2.
Variant type: single nucleotide variant.
Coding change: c.519C>T on transcript NM_001376232.1 (MANE Select); coding-DNA position 519, C replaced by T.
Protein change: p.Asp173=; no amino-acid change (aspartic acid 173 retained).
Molecular consequence: synonymous variant. On other transcripts: non-coding transcript variant (1).
Genome position (GRCh38, 1-based): chr16:21,205,740, G>A on the plus strand (C>T on the coding strand, the complement: ZP2 is on the minus strand). VCF-style: chr16-21205740-G-A. GRCh37 (hg19) VCF-style: chr16-21217061-G-A.
Other names: c.519C>T, p.Asp173= (NM_001376231.1, NM_001376233.1, NM_003460.2).
Identifiers: ClinVar variation 3058946 (VCV003058946.2), dbSNP rs16971234, ClinGen allele CA7950033.